The following is an entry in ClinVar:

NM_017777.4(MKS1):c.1590G>A (p.Glu530=)

Gene: MKS1 (MKS transition zone complex subunit 1; minus strand). Cytogenetic location: 17q22.
Variant type: single nucleotide variant.
Coding change: c.1590G>A on transcript NM_017777.4 (MANE Select); coding-DNA position 1590, G replaced by A.
Protein change: p.Glu530=; no amino-acid change (glutamic acid 530 retained).
Molecular consequence: synonymous variant. On other transcripts: missense variant (1), 3 prime UTR variant (1).
Genome position (GRCh38, 1-based): chr17:58,206,169, C>T on the plus strand (G>A on the coding strand, the complement: MKS1 is on the minus strand). VCF-style: chr17-58206169-C-T. GRCh37 (hg19) VCF-style: chr17-56283530-C-T.
Other names: c.1507G>A (NM_001321269.1); c.981G>A, p.Glu327= (NM_001321268.2); c.1507G>A, p.Gly503Ser (NM_001321269.2); c.*2G>A (NM_001330397.2); short protein forms G503S.
Identifiers: ClinVar variation 2937315 (VCV002937315.4), dbSNP rs767250536, ClinGen allele CA501324229.

ClinVar aggregate classification (germline): Conflicting classifications of pathogenicity. Review status: criteria provided, conflicting classifications (1 of 4 stars). 2 submissions from 2 submitters: Uncertain significance (1); Likely benign (1). Last evaluated 2025-10-16.

Conditions:
MKS1-related disorder. Also called: MKS1-related condition; MKS1-related disorders. Identifiers: MedGen CN239382.
Meckel-Gruber syndrome. Also called: Dysencephalia splachnocystica; DYSENCEPHALIA SPLANCHNOCYSTICA; GRUBER SYNDROME. Identifiers: Orphanet 564, MedGen C0265215, MONDO:0018921.
Joubert syndrome. Also called: Familial aplasia of the vermis; JOUBERT-BOLTSHAUSER SYNDROME. Identifiers: Orphanet 475, MedGen C5979921, MONDO:0018772.

Submissions (2):

PreventionGenetics, part of Exact Sciences
Classification: Uncertain significance for MKS1-related condition. Last evaluated: 2025-10-16. Review status: criteria provided, single submitter. Criteria: ACMG Guidelines, 2015. Collection method: clinical testing. Allele origin: germline.
Comment: The MKS1 c.1507G>A variant is predicted to result in the amino acid substitution p.Gly503Ser. To our knowledge, this variant has not been reported in the literature or in a large population database (gnomAD), indicating this variant is rare. At this time, the clinical significance of this variant is uncertain due to the absence of conclusive functional and genetic evidence.

Labcorp Genetics (formerly Invitae), Labcorp
Classification: Likely benign for Joubert syndrome; Meckel-Gruber syndrome. Last evaluated: 2023-11-03. Review status: criteria provided, single submitter. Criteria: Invitae Variant Classification Sherloc (09022015). Collection method: clinical testing. Allele origin: germline.